The following is an entry in ClinVar:

ClinVar aggregate classification (germline): Uncertain significance (1 of 4 stars; one submission).

Submission:

GeneDx
Classification: Uncertain significance. Last evaluated: 2026-02-02. Review status: criteria provided, single submitter. Criteria: GeneDx Variant Classification Process June 2021. Collection method: clinical testing. Allele origin: germline.
Comment: Not observed at significant frequency in large population cohorts (gnomAD); In silico analysis supports that this missense variant has a deleterious effect on protein structure/function; Has not been previously published as pathogenic or benign to our knowledge

NM_000540.3(RYR1):c.5050C>G (p.Leu1684Val)

Gene: RYR1 (ryanodine receptor 1; plus strand). Cytogenetic location: 19q13.2.
Variant type: single nucleotide variant.
Coding change: c.5050C>G on transcript NM_000540.3 (MANE Select); coding-DNA position 5050, C replaced by G.
Protein change: p.Leu1684Val; replaces leucine 1684 with valine.
Molecular consequence: missense variant.
Genome position (GRCh38, 1-based): chr19:38,485,705, C>G. VCF-style: chr19-38485705-C-G. GRCh37 (hg19) VCF-style: chr19-38976345-C-G.
Other names: c.5050C>G, p.Leu1684Val (NM_001042723.2); short protein forms L1684V.
Identifiers: ClinVar variation 4975869 (VCV004975869.1).
Genomic context (GRCh38, chr19:38,485,705, plus strand): 5'-CACACCCTGCGCCTCTACCGCGCTGTGTGCGCCCTGGGCAACAATCGCGTGGCGCACGCT[C>G]TGTGCAGCCACGTAGACCAAGCTCAGCTGCTGCACGCCCTGGAGGACGCGCACCTGCCAG-3'
Protein context (NP_000531.2, residues 1674-1694): ALGNNRVAHA[Leu1684Val]CSHVDQAQLL